The following is an entry in ClinVar:

ClinVar aggregate classification (germline): Uncertain significance (1 of 4 stars; one submission).

Conditions:
Intellectual disability, CASK-related, X-linked. Identifiers: MedGen CN043158.

Submission:

Labcorp Genetics (formerly Invitae), Labcorp
Classification: Uncertain significance for Intellectual disability, CASK-related, X-linked. Last evaluated: 2025-05-05. Review status: criteria provided, single submitter. Criteria: Invitae Variant Classification Sherloc (09022015). Collection method: clinical testing. Allele origin: germline.
Comment: This sequence change replaces histidine, which is basic and polar, with tyrosine, which is neutral and polar, at codon 358 of the CASK protein (p.His358Tyr). This variant is not present in population databases (gnomAD no frequency). This variant has not been reported in the literature in individuals affected with CASK-related conditions. ClinVar contains an entry for this variant (Variation ID: 3682370). Invitae Evidence Modeling of protein sequence and biophysical properties (such as structural, functional, and spatial information, amino acid conservation, physicochemical variation, residue mobility, and thermodynamic stability) indicates that this missense variant is not expected to disrupt CASK protein function with a negative predictive value of 80%. In summary, the available evidence is currently insufficient to determine the role of this variant in disease. Therefore, it has been classified as a Variant of Uncertain Significance.

NM_001367721.1(CASK):c.1072C>T (p.His358Tyr)

Gene: CASK (calcium/calmodulin dependent serine protein kinase; minus strand). Cytogenetic location: Xp11.4.
Variant type: single nucleotide variant.
Coding change: c.1072C>T on transcript NM_001367721.1 (MANE Select); coding-DNA position 1072, C replaced by T.
Protein change: p.His358Tyr; replaces histidine 358 with tyrosine.
Molecular consequence: missense variant.
Genome position (GRCh38, 1-based): chrX:41,609,987, G>A on the plus strand (C>T on the coding strand, the complement: CASK is on the minus strand). VCF-style: chrX-41609987-G-A. GRCh37 (hg19) VCF-style: chrX-41469240-G-A.
Other names: c.1072C>T, p.His358Tyr (NM_001126054.3, NM_003688.4); c.1054C>T, p.His352Tyr (NM_001126055.3, NM_001410745.1); short protein forms H358Y, H352Y.
Identifiers: ClinVar variation 3682370 (VCV003682370.2).